The following is an entry in ClinVar:

NM_001875.5(CPS1):c.3038T>C (p.Val1013Ala)

Gene: CPS1 (carbamoyl-phosphate synthase 1; plus strand). Cytogenetic location: 2q34.
Variant type: single nucleotide variant.
Coding change: c.3038T>C on transcript NM_001875.5 (MANE Select); coding-DNA position 3038, T replaced by C.
Protein change: p.Val1013Ala; replaces valine 1013 with alanine.
Molecular consequence: missense variant. On other transcripts: non-coding transcript variant (2).
Genome position (GRCh38, 1-based): chr2:210,642,562, T>C. VCF-style: chr2-210642562-T-C. GRCh37 (hg19) VCF-style: chr2-211507286-T-C.
Other names: c.3038T>C, p.Val1013Ala (NM_001122633.3, NM_001369257.1); c.3071T>C, p.Val1024Ala (NM_001369256.1); short protein forms V1013A, V1024A.
Identifiers: ClinVar variation 4847939 (VCV004847939.1).

ClinVar aggregate classification (germline): Uncertain significance (1 of 4 stars; one submission).

Submission:

Women's Health and Genetics/Laboratory Corporation of America, LabCorp
Classification: Uncertain significance. Last evaluated: 2026-02-25. Review status: criteria provided, single submitter. Criteria: LabCorp Variant Classification Summary - May 2015. Collection method: clinical testing. Allele origin: germline.
Comment: Variant summary: CPS1 c.3038T>C (p.Val1013Ala) results in a non-conservative amino acid change in the encoded protein sequence. Algorithms developed to predict the effect of missense changes on protein structure and function all suggest that this variant is likely to be disruptive. The variant was absent in 251376 control chromosomes. The available data on variant occurrences in the general population are insufficient to allow any conclusion about variant significance. To our knowledge, no occurrence of c.3038T>C in individuals affected with CPS1-related conditions and no experimental evidence demonstrating its impact on protein function have been reported. No submitters have cited clinical-significance assessments for this variant to ClinVar. Based on the evidence outlined above, the variant was classified as uncertain significance.